The following is an entry in ClinVar:

NM_007294.4(BRCA1):c.1287dup (p.Asp430fs)

Gene: BRCA1 (BRCA1 DNA repair associated; minus strand). Cytogenetic location: 17q21.31.
Variant type: Duplication.
Coding change: c.1287dup on transcript NM_007294.4 (MANE Select); coding-DNA position 1287, one base duplicated (A; older notation c.1287dupA).
Protein change: p.Asp430fs; shifts the reading frame from aspartic acid 430.
Molecular consequence: frameshift variant. On other transcripts: intron variant (137).
Genome position (GRCh38, 1-based): chr17:43,094,244, T duplicated on the plus strand (A on the coding strand, the reverse complement: BRCA1 is on the minus strand). VCF-style (leftmost placement, unchanged base first): chr17-43094243-C-CT. GRCh37 (hg19) VCF-style: chr17-41246260-C-CT.
Other names: 1406insA; 1406_1407insA; 1406INSA; c.1287dupA (NM_007294.3); c.1146dup, p.Asp383fs (NM_001407698.1, NM_001407724.1, NM_001407725.1 and 29 more transcripts); c.1143dup, p.Asp382fs (NM_001407740.1, NM_001407741.1, NM_001407742.1 and 20 more transcripts); c.1074dup, p.Asp359fs (NM_001407853.1, NM_001407894.1, NM_001407895.1 and 9 more transcripts); c.1287dup, p.Asp430fs (NM_001407854.1, NM_001407858.1, NM_001407859.1 and 30 more transcripts); and 44 more; short protein forms D430fs, D383fs, D318fs, D359fs, D363fs, D302fs, D341fs, D389fs.
Identifiers: ClinVar variation 54186 (VCV000054186.32), dbSNP rs80357576, ClinGen allele CA000841.
Genomic context (GRCh38, chr17:43,094,243, plus strand): 5'-TGGAGTGAACTCTTTCACTTTTACATATTAAAGCCTCATGAGGATCACTGGCCAGTAAGT[C>CT]TATTTTCTCTGAAGAACCAGAATATTCATCTACCTCATTTAGAACGTCCAATACATCAGC-3'

ClinVar aggregate classification (germline): Pathogenic. Review status: reviewed by expert panel (3 of 4 stars). 16 submissions from 16 submitters: Pathogenic (1). 15 of the submissions do not count toward it. Last evaluated 2016-04-22.

Conditions:
Hereditary cancer-predisposing syndrome. Also called: Tumor predisposition; Neoplastic Syndromes, Hereditary; Hereditary Cancer Syndrome; Hereditary neoplastic syndrome. Identifiers: Orphanet 140162, MedGen C0027672, MeSH D009386, MONDO:0015356.
Hereditary breast ovarian cancer syndrome. Also called: Hereditary breast and ovarian cancer syndrome (HBOC); Hereditary breast and ovarian cancer syndrome; Hereditary breast and ovarian cancer; Hereditary breast and/or ovarian cancer syndrome; Breast and ovarian cancer; BRCA1- and BRCA2-Associated Hereditary Breast and Ovarian Cancer. Identifiers: Orphanet 145, MedGen C0677776, MeSH D061325, MONDO:0003582. Disease mechanism: loss of function.
Breast-ovarian cancer, familial, susceptibility to, 1 (BROVCA1). Also called: OVARIAN CANCER, SUSCEPTIBILITY TO; BRCA1 Hereditary Breast and Ovarian Cancer. Identifiers: Orphanet 145, MedGen C2676676, MONDO:0011450, OMIM 604370. Disease mechanism: loss of function.

Allele frequency attached by ClinVar (database versions not stated): gnomAD exomes below 0.00001; gnomAD 0.00001.

Submissions (16):

Evidence-based Network for the Interpretation of Germline Mutant Alleles (ENIGMA)
Classification: Pathogenic for Breast-ovarian cancer, familial, susceptibility to, 1. Last evaluated: 2016-04-22. Review status: reviewed by expert panel. Criteria: ENIGMA BRCA1/2 Classification Criteria (2015). Collection method: curation. Allele origin: germline.
Comment: Variant allele predicted to encode a truncated non-functional protein.

Labcorp Genetics (formerly Invitae), Labcorp
Classification: Pathogenic for Hereditary breast ovarian cancer syndrome. Last evaluated: 2025-11-09. Review status: criteria provided, single submitter. Criteria: Invitae Variant Classification Sherloc (09022015). Collection method: clinical testing. Allele origin: germline. Not counted in ClinVar's aggregate classification.
Comment: This sequence change creates a premature translational stop signal (p.Asp430Argfs*6) in the BRCA1 gene. It is expected to result in an absent or disrupted protein product. Loss-of-function variants in BRCA1 are known to be pathogenic (PMID: 20104584). This variant is not present in population databases (gnomAD no frequency). This premature translational stop signal has been observed in individual(s) with breast and/or ovarian cancer (PMID: 9150151, 14574155, 16528604, 16683254, 22160602). This variant is also known as 1406insA. ClinVar contains an entry for this variant (Variation ID: 54186). For these reasons, this variant has been classified as Pathogenic.

Institute of Human Genetics, University of Leipzig Medical Center
Classification: Pathogenic for Breast-ovarian cancer, familial, susceptibility to, 1. Last evaluated: 2025-08-25. Review status: criteria provided, single submitter. Criteria: ACMG Guidelines, 2015. Collection method: clinical testing. Allele origin: maternal. Inheritance: Autosomal dominant inheritance. Affected: yes. Not counted in ClinVar's aggregate classification.
Comment: Criteria applied: PVS1,PM5_STR

Ambry Genetics
Classification: Pathogenic for Hereditary cancer-predisposing syndrome. Last evaluated: 2024-10-07. Review status: criteria provided, single submitter. Criteria: Ambry Variant Classification Scheme 2023. Collection method: clinical testing. Allele origin: germline. Not counted in ClinVar's aggregate classification.
Comment: The c.1287dupA pathogenic mutation, located in coding exon 9 of the BRCA1 gene, results from a duplication of A at nucleotide position 1287, causing a translational frameshift with a predicted alternate stop codon (p.D430Rfs*6). This mutation has previously been reported in multiple individuals and families affected with breast and/or ovarian cancer, and, specifically, has been reported as a recurrent mutation in the Dutch population (Peelen T et al. Am. J. Hum. Genet. 1997 May;60:1041-9; Schneegans SM et al. Fam. Cancer. 2012 Jun;11:181-8; Sinilnikova OM et al. Fam. Cancer. 2006;5:15-20; Piek JM et al. Fam. Cancer. 2003;2:73-8). This mutation has also been designated as 1406insA in the published literature. In addition to the clinical data presented in the literature, this alteration is expected to result in loss of function by premature protein truncation or nonsense-mediated mRNA decay. As such, this alteration is interpreted as a disease-causing mutation.

GeneDx
Classification: Pathogenic. Last evaluated: 2023-06-20. Review status: criteria provided, single submitter. Criteria: GeneDx Variant Classification Process June 2021. Collection method: clinical testing. Allele origin: germline. Affected: yes. Not counted in ClinVar's aggregate classification.
Comment: Frameshift variant predicted to result in protein truncation or nonsense mediated decay in a gene for which loss of function is a known mechanism of disease; Not observed at significant frequency in large population cohorts (gnomAD); Truncating variants in this gene are considered pathogenic by a well-established clinical consortium and/or database; Also known as 1406dupA; This variant is associated with the following publications: (PMID: 26187060, 31492746, 28888541, 22160602, 16683254, 9150151, 14574155, 16528604, 29176636, 29446198, 10952774, 20104584)

All of Us Research Program, National Institutes of Health
Classification: Pathogenic for Breast-ovarian cancer, familial, susceptibility to, 1. Last evaluated: 2023-06-08. Review status: criteria provided, single submitter. Criteria: ACMG Guidelines, 2015. Collection method: clinical testing. Allele origin: germline. Inheritance: Autosomal dominant inheritance. Observed: 1 variant allele, 1 heterozygote. Not counted in ClinVar's aggregate classification.
Comment: This variant inserts 1 nucleotide in exon 10 of the BRCA1 gene, creating a frameshift and premature translation stop signal. This variant is expected to result in an absent or non-functional protein product. This variant has been observed in one individual each affected with breast cancer (PMID: 24249303) and intraperitoneal cancer (PMID: 14574155) and in suspected hereditary breast and ovarian cancer families (PMID: 9150151, 16528604, 16683254, 31745186). This variant has not been identified in the general population by the Genome Aggregation Database (gnomAD). Loss of BRCA1 function is a known mechanism of disease. Based on the available evidence, this variant is classified as Pathogenic.

This study involves interpretation of variants in research participants for the purpose of population health screening. Participant phenotype was not available at the time of variant classification. Additional details can be found in publication PMID: 35346344, PMCID: PMC8962531

Color Diagnostics, LLC DBA Color Health
Classification: Pathogenic for Hereditary cancer-predisposing syndrome. Last evaluated: 2023-04-19. Review status: criteria provided, single submitter. Criteria: ACMG Guidelines, 2015. Collection method: clinical testing. Allele origin: germline. Not counted in ClinVar's aggregate classification.
Comment: This variant inserts 1 nucleotide in exon 10 of the BRCA1 gene, creating a frameshift and premature translation stop signal. This variant is expected to result in an absent or non-functional protein product. This variant has been observed in one individual each affected with breast cancer (PMID: 24249303) and intraperitoneal cancer (PMID: 14574155) and in suspected hereditary breast and ovarian cancer families (PMID: 9150151, 16528604, 16683254, 31745186). This variant has not been identified in the general population by the Genome Aggregation Database (gnomAD). Loss of BRCA1 function is a known mechanism of disease. Based on the available evidence, this variant is classified as Pathogenic.

Consortium of Investigators of Modifiers of BRCA1/2 (CIMBA), c/o University of Cambridge
Classification: Pathogenic for Breast-ovarian cancer, familial, susceptibility to, 1. Last evaluated: 2015-10-02. Review status: criteria provided, single submitter. Criteria: CIMBA Mutation Classification guidelines May 2016. Collection method: clinical testing. Allele origin: germline. Not counted in ClinVar's aggregate classification.

Zotz-Klimas Genetics Lab, MVZ Zotz Klimas
Classification: Pathogenic for Breast-ovarian cancer, familial, susceptibility to, 1. Last evaluated: 2023-11-24. Review status: no assertion criteria provided. Collection method: clinical testing. Allele origin: germline. Affected: yes. Not counted in ClinVar's aggregate classification.

Research Molecular Genetics Laboratory, Women's College Hospital, University of Toronto
Classification: Pathogenic for Hereditary breast ovarian cancer syndrome. Last evaluated: 2014-01-31. Review status: no assertion criteria provided. Collection method: research. Allele origin: germline. Affected: yes. Study: The Canadian Open Genetics Repository (COGR). Not counted in ClinVar's aggregate classification.

Sharing Clinical Reports Project (SCRP)
Classification: Pathogenic for Breast-ovarian cancer, familial 1. Last evaluated: 2012-03-09. Review status: no assertion criteria provided. Collection method: clinical testing. Allele origin: germline. Not counted in ClinVar's aggregate classification.

Breast Cancer Information Core (BIC) (BRCA1)
Classification: Pathogenic for Breast-ovarian cancer, familial 1. Last evaluated: 2002-07-10. Review status: no assertion criteria provided. Collection method: clinical testing. Allele origin: germline. Affected: yes. Observed: 8 variant alleles. Not counted in ClinVar's aggregate classification.

Clinical Genetics DNA and cytogenetics Diagnostics Lab, Erasmus MC, Erasmus Medical Center
Classification: Pathogenic. Review status: no assertion criteria provided. Collection method: clinical testing. Allele origin: germline. Affected: yes. Study: VKGL Data-share Consensus. Not counted in ClinVar's aggregate classification.

Clinical Genetics Laboratory, Department of Pathology, Netherlands Cancer Institute
Classification: Pathogenic. Review status: no assertion criteria provided. Collection method: clinical testing. Allele origin: germline. Affected: yes. Study: VKGL Data-share Consensus. Not counted in ClinVar's aggregate classification.

Diagnostic Laboratory, Department of Genetics, University Medical Center Groningen
Classification: Pathogenic. Review status: no assertion criteria provided. Collection method: clinical testing. Allele origin: germline. Affected: yes. Study: VKGL Data-share Consensus. Not counted in ClinVar's aggregate classification.

Genome Diagnostics Laboratory, University Medical Center Utrecht
Classification: Pathogenic. Review status: no assertion criteria provided. Collection method: clinical testing. Allele origin: germline. Affected: yes. Study: VKGL Data-share Consensus. Not counted in ClinVar's aggregate classification.

Literature cited by the submitters: PubMed 20104584 (cited by Labcorp Genetics (formerly Invitae), Labcorp); PubMed 9150151 (cited by 4 submitters); PubMed 14574155 (cited by 4 submitters); PubMed 16528604 (cited by 4 submitters); PubMed 16683254 (cited by 3 submitters); PubMed 22160602 (cited by Labcorp Genetics (formerly Invitae), Labcorp and Ambry Genetics); PubMed 10952774 (cited by Ambry Genetics); PubMed 24249303 (cited by All of Us Research Program, National Institutes of Health and Color Diagnostics, LLC DBA Color Health); PubMed 31745186 (cited by All of Us Research Program, National Institutes of Health and Color Diagnostics, LLC DBA Color Health).